The following is an entry in ClinVar:

NM_005733.3(KIF20A):c.506C>T (p.Thr169Met)

Gene: KIF20A (kinesin family member 20A; plus strand). Cytogenetic location: 5q31.2.
Variant type: single nucleotide variant.
Coding change: c.506C>T on transcript NM_005733.3 (MANE Select); coding-DNA position 506, C replaced by T.
Protein change: p.Thr169Met; replaces threonine 169 with methionine.
Molecular consequence: missense variant.
Genome position (GRCh38, 1-based): chr5:138,182,453, C>T. VCF-style: chr5-138182453-C-T. GRCh37 (hg19) VCF-style: chr5-137518142-C-T.
Other names: c.506C>T (NM_005733.2); short protein forms T169M.
Identifiers: ClinVar variation 1933823 (VCV001933823.6), dbSNP rs200872203, ClinGen allele CA3426319.

ClinVar aggregate classification (germline): Uncertain significance. Review status: criteria provided, multiple submitters, no conflicts (2 of 4 stars). 2 submissions from 2 submitters: Uncertain significance (2). Last evaluated 2025-06-17.

Allele frequency attached by ClinVar (database versions not stated): TOPMed below 0.00001; gnomAD 0.00001; 1000 Genomes Project 30x 0.00016; 1000 Genomes Project 0.00020.
gnomAD v4.1: 11 of 1,613,938 alleles (0.00068%); highest among the groups gnomAD compares: East Asian, 0.0022%; no homozygotes.

Submissions (2):

Ambry Genetics
Classification: Uncertain significance. Last evaluated: 2025-06-17. Review status: criteria provided, single submitter. Criteria: Ambry Variant Classification Scheme 2023. Collection method: clinical testing. Allele origin: germline.

Labcorp Genetics (formerly Invitae), Labcorp
Classification: Uncertain significance. Last evaluated: 2024-02-26. Review status: criteria provided, single submitter. Criteria: Invitae Variant Classification Sherloc (09022015). Collection method: clinical testing. Allele origin: germline.
Comment: This sequence change replaces threonine, which is neutral and polar, with methionine, which is neutral and non-polar, at codon 169 of the KIF20A protein (p.Thr169Met). This variant is present in population databases (rs200872203, gnomAD 0.003%). This variant has not been reported in the literature in individuals affected with KIF20A-related conditions. ClinVar contains an entry for this variant (Variation ID: 1933823). An algorithm developed to predict the effect of missense changes on protein structure and function (PolyPhen-2) suggests that this variant is likely to be disruptive. In summary, the available evidence is currently insufficient to determine the role of this variant in disease. Therefore, it has been classified as a Variant of Uncertain Significance.